The following is an entry in ClinVar:

NM_001893.6(CSNK1D):c.828G>A (p.Leu276=)

Gene: CSNK1D (casein kinase 1 delta; minus strand). Cytogenetic location: 17q25.3.
Variant type: single nucleotide variant.
Coding change: c.828G>A on transcript NM_001893.6 (MANE Select); coding-DNA position 828, G replaced by A.
Protein change: p.Leu276=; no amino-acid change (leucine 276 retained).
Molecular consequence: synonymous variant. On other transcripts: non-coding transcript variant (1).
Genome position (GRCh38, 1-based): chr17:82,251,436, C>T on the plus strand (G>A on the coding strand, the complement: CSNK1D is on the minus strand). VCF-style: chr17-82251436-C-T. GRCh37 (hg19) VCF-style: chr17-80209312-C-T.
Other names: c.828G>A, p.Leu276= (NM_001363749.2, NM_139062.4).
Identifiers: ClinVar variation 3035264 (VCV003035264.2), dbSNP rs540255508, ClinGen allele CA8855567.

ClinVar aggregate classification (germline): Likely benign (0 of 4 stars; one submission).

Conditions:
CSNK1D-related disorder. Also called: CSNK1D-related condition.

gnomAD v4.1: 16 of 1,614,048 alleles (0.00099%); highest among the groups gnomAD compares: Middle Eastern, 0.066%; no homozygotes.

Submission:

PreventionGenetics, part of Exact Sciences
Classification: Likely benign for CSNK1D-related condition. Last evaluated: 2019-08-06. Review status: no assertion criteria provided. Collection method: clinical testing. Allele origin: germline.
Comment: This variant is classified as likely benign based on ACMG/AMP sequence variant interpretation guidelines (Richards et al. 2015 PMID: 25741868, with internal and published modifications).